The following is an entry in ClinVar:

ClinVar aggregate classification (germline): Uncertain significance. Review status: criteria provided, multiple submitters, no conflicts (2 of 4 stars). 4 submissions from 4 submitters: Uncertain significance (4). Last evaluated 2025-11-23.

Conditions:
Hypertrophic cardiomyopathy. Also called: HYPERTROPHIC MYOCARDIOPATHY. Identifiers: Orphanet 217569, MedGen C0007194, MeSH D002312, MONDO:0005045, HP:0001639.
Cardiomyopathy (CMYO). Also called: Cardiomyopathies. Identifiers: Orphanet 167848, MedGen C0878544, MONDO:0004994, HP:0001638. Inheritance: Various modes of inheritance.

Allele frequency attached by ClinVar (database versions not stated): TOPMed 0.00001; ExAC 0.00002; gnomAD exomes 0.00002; gnomAD 0.00003 and 0.00004.
gnomAD v4.1: 15 of 1,614,126 alleles (0.00093%); highest among the groups gnomAD compares: East Asian, 0.0022%; no homozygotes.

Submissions (4):

Labcorp Genetics (formerly Invitae), Labcorp
Classification: Uncertain significance for Hypertrophic cardiomyopathy. Last evaluated: 2025-11-23. Review status: criteria provided, single submitter. Criteria: Invitae Variant Classification Sherloc (09022015). Collection method: clinical testing. Allele origin: germline.
Comment: This sequence change replaces arginine, which is basic and polar, with histidine, which is basic and polar, at codon 941 of the MYH7 protein (p.Arg941His). This variant is present in population databases (rs765458590, gnomAD 0.009%). This missense change has been observed in individual(s) with hypertrophic cardiomyopathy (PMID: 33495597). ClinVar contains an entry for this variant (Variation ID: 636633). Invitae Evidence Modeling of protein sequence and biophysical properties (such as structural, functional, and spatial information, amino acid conservation, physicochemical variation, residue mobility, and thermodynamic stability) indicates that this missense variant is expected to disrupt MYH7 protein function with a positive predictive value of 95%. In summary, the available evidence is currently insufficient to determine the role of this variant in disease. Therefore, it has been classified as a Variant of Uncertain Significance.

Blueprint Genetics
Classification: Uncertain significance. Last evaluated: 2024-06-13. Review status: criteria provided, single submitter. Criteria: ACMG Guidelines, 2015. Collection method: clinical testing. Allele origin: germline.

All of Us Research Program, National Institutes of Health
Classification: Uncertain significance for Cardiomyopathy. Last evaluated: 2023-11-20. Review status: criteria provided, single submitter. Criteria: ACMG Guidelines, 2015. Collection method: clinical testing. Allele origin: germline. Inheritance: Autosomal dominant inheritance. Observed: 2 variant alleles, 2 heterozygotes.
Comment: This missense variant replaces arginine with histidine at codon 941 of the MYH7 protein. Computational prediction suggests that this variant may have a deleterious impact on protein structure and function (internally defined REVEL score threshold >= 0.7, PMID: 27666373). To our knowledge, functional studies have not been reported for this variant. This variant has been reported in individuals affected with hypertrophic cardiomyopathy (PMID: 33495597; DOI:10.3329/bsmmuj.v15i4.64154). This variant has been identified in 4/251494 chromosomes in the general population by the Genome Aggregation Database (gnomAD). The available evidence is insufficient to determine the role of this variant in disease conclusively. Therefore, this variant is classified as a Variant of Uncertain Significance.

This study involves interpretation of variants in research participants for the purpose of population health screening. Participant phenotype was not available at the time of variant classification. Additional details can be found in publication PMID: 35346344, PMCID: PMC8962531

Color Diagnostics, LLC DBA Color Health
Classification: Uncertain significance for Cardiomyopathy. Last evaluated: 2023-03-16. Review status: criteria provided, single submitter. Criteria: ACMG Guidelines, 2015. Collection method: clinical testing. Allele origin: germline.
Comment: This missense variant replaces arginine with histidine at codon 941 of the MYH7 protein. Computational prediction suggests that this variant may have a deleterious impact on protein structure and function (internally defined REVEL score threshold >= 0.7, PMID: 27666373). To our knowledge, functional studies have not been reported for this variant. This variant has been reported in individuals affected with hypertrophic cardiomyopathy (PMID: 33495597; DOI:10.3329/bsmmuj.v15i4.64154). This variant has been identified in 4/251494 chromosomes in the general population by the Genome Aggregation Database (gnomAD). The available evidence is insufficient to determine the role of this variant in disease conclusively. Therefore, this variant is classified as a Variant of Uncertain Significance.

Literature cited by the submitters: PubMed 33495597 (cited by 3 submitters).

NM_000257.4(MYH7):c.2822G>A (p.Arg941His)

Gene: MYH7 (myosin heavy chain 7; minus strand). Cytogenetic location: 14q11.2.
Variant type: single nucleotide variant.
Coding change: c.2822G>A on transcript NM_000257.4 (MANE Select); coding-DNA position 2822, G replaced by A.
Protein change: p.Arg941His; replaces arginine 941 with histidine.
Molecular consequence: missense variant.
Genome position (GRCh38, 1-based): chr14:23,424,007, C>T on the plus strand (G>A on the coding strand, the complement: MYH7 is on the minus strand). VCF-style: chr14-23424007-C-T. GRCh37 (hg19) VCF-style: chr14-23893216-C-T.
Other names: c.2822G>A (LRG_384t1); short protein forms R941H.
Identifiers: ClinVar variation 636633 (VCV000636633.11), dbSNP rs765458590, ClinGen allele CA034403.
Genomic context (GRCh38, chr14:23,424,007, plus strand): 5'-AGTGTCAGCTCCAGATCATCGATGTCCCTTTTGAGCTCTGAGCACTCATCTTCCAGCTTG[C>T]GCTTCTTGGCAGTGAGCTCAGCATTCATCTCCTCCTCATCCTCCAGCCTCTCGTTCATCT-3'
Protein context (NP_000248.2, residues 931-951): EMNAELTAKK[Arg941His]KLEDECSELK